The following is an entry in ClinVar:

ClinVar aggregate classification (germline): Uncertain significance (1 of 4 stars; one submission).

gnomAD v4.1: 2 of 1,614,060 alleles (0.00012%); highest among the groups gnomAD compares: Non-Finnish European, 0.00017%; no homozygotes.

Submission:

GeneDx
Classification: Uncertain significance. Last evaluated: 2020-07-06. Review status: criteria provided, single submitter. Criteria: GeneDx Variant Classification Process June 2021. Collection method: clinical testing. Allele origin: germline. Affected: yes.
Comment: Not observed in large population cohorts (Lek et al., 2016); In silico analysis, which includes protein predictors and evolutionary conservation, supports that this variant does not alter protein structure/function; Has not been previously published as pathogenic or benign to our knowledge

NM_001303052.2(MYT1L):c.860A>G (p.Asp287Gly)

Gene: MYT1L (myelin transcription factor 1 like; minus strand). Cytogenetic location: 2p25.3.
Variant type: single nucleotide variant.
Coding change: c.860A>G on transcript NM_001303052.2 (MANE Select); coding-DNA position 860, A replaced by G.
Protein change: p.Asp287Gly; replaces aspartic acid 287 with glycine.
Molecular consequence: missense variant.
Genome position (GRCh38, 1-based): chr2:1,922,909, T>C on the plus strand (A>G on the coding strand, the complement: MYT1L is on the minus strand). VCF-style: chr2-1922909-T-C. GRCh37 (hg19) VCF-style: chr2-1926681-T-C.
Other names: c.860A>G, p.Asp287Gly (NM_001329844.2, NM_001329845.1, NM_001329846.3 and 6 more transcripts); short protein forms D287G.
Identifiers: ClinVar variation 1310174 (VCV001310174.2), dbSNP rs2149108719, ClinGen allele CA345705974.